The following is an entry in ClinVar:

ClinVar aggregate classification (germline): Conflicting classifications of pathogenicity. Review status: criteria provided, conflicting classifications (1 of 4 stars). 15 submissions from 15 submitters: Uncertain significance (9); Likely benign (4). 2 of the submissions do not count toward it. Last evaluated 2026-10-01.

Conditions:
Breast and/or ovarian cancer. Identifiers: MedGen CN221562.
Hereditary cancer-predisposing syndrome. Also called: Neoplastic Syndromes, Hereditary; Hereditary Cancer Syndrome; Tumor predisposition; Hereditary neoplastic syndrome. Identifiers: Orphanet 140162, MedGen C0027672, MeSH D009386, MONDO:0015356.
Peutz-Jeghers syndrome (PJS). Also called: POLYPOSIS, HAMARTOMATOUS INTESTINAL; POLYPS-AND-SPOTS SYNDROME; Peutz-Jeghers polyposis; Periorificial lentiginosis syndrome. Identifiers: Orphanet 2869, MedGen C0031269, MeSH D010580, MONDO:0008280, OMIM 175200.

Allele frequency attached by ClinVar (database versions not stated): gnomAD exomes 0.00002; ExAC 0.00003; TOPMed 0.00003; gnomAD 0.00007; ESP Exome Variant Server 0.00008.
gnomAD v4.1: 35 of 1,611,160 alleles (0.0022%); highest among the groups gnomAD compares: African/African-American, 0.015%; no homozygotes.

Submissions (15):

St. Jude Molecular Pathology, St. Jude Children's Research Hospital
Classification: Uncertain significance for Peutz-Jeghers syndrome. Last evaluated: 2026-10-01. Review status: criteria provided, single submitter. Criteria: St. Jude Assertion Criteria 2020. Collection method: clinical testing. Allele origin: germline.
Comment: The STK11 c.1127A>C p.(Glu376Ala) missense change has a maximum subpopulation frequency of 0.026% in gnomAD v2.1.1. The in silico tool REVEL predicts a benign effect on protein function, but to our knowledge this prediction has not been confirmed by functional studies. To our knowledge, this variant has not been reported in individuals with Peutz-Jeghers syndrome. In summary, the evidence currently available is insu fficient to determine the clinical significance of this variant. It has therefore been classified as of uncertain significance.Ã¢ € ¯

Labcorp Genetics (formerly Invitae), Labcorp
Classification: Likely benign for Peutz-Jeghers syndrome. Last evaluated: 2026-02-01. Review status: criteria provided, single submitter. Criteria: Invitae Variant Classification Sherloc (09022015). Collection method: clinical testing. Allele origin: germline.

CeGaT Center for Human Genetics Tuebingen
Classification: Likely benign. Last evaluated: 2025-01-01. Review status: criteria provided, single submitter. Criteria: CeGaT Center For Human Genetics Tuebingen Variant Classification Criteria Version 2. Collection method: clinical testing. Allele origin: germline. Affected: yes. Observed: 1 variant allele.
Comment: STK11: BP4, BS1:Supporting

Molecular Pathology, Peter Maccallum Cancer Centre
Classification: Uncertain significance for Peutz-Jeghers syndrome. Last evaluated: 2024-12-12. Review status: criteria provided, single submitter. Criteria: ACMG Guidelines, 2015. Collection method: clinical testing. Allele origin: germline. Inheritance: Autosomal dominant inheritance.

Women's Health and Genetics/Laboratory Corporation of America, LabCorp
Classification: Uncertain significance. Last evaluated: 2024-03-24. Review status: criteria provided, single submitter. Criteria: LabCorp Variant Classification Summary - May 2015. Collection method: clinical testing. Allele origin: germline.
Comment: Variant summary: STK11 c.1127A>C (p.Glu376Ala) results in a non-conservative amino acid change in the encoded protein sequence. Three of five in-silico tools predict a benign effect of the variant on protein function. The variant allele was found at a frequency of 2.1e-05 in 241804 control chromosomes. The available data on variant occurrences in the general population are insufficient to allow any conclusion about variant significance. c.1127A>C has been reported in the literature as a VUS in at-least one individual within a cohort of children with malignant pediatric tumors (example, Chan _2018). These report(s) do not provide unequivocal conclusions about association of the variant with Peutz-Jeghers Syndrome. To our knowledge, no experimental evidence demonstrating an impact on protein function has been reported. The following publication have been ascertained in the context of this evaluation (PMID: 30455982). ClinVar contains an entry for this variant (Variation ID: 127698). Based on the evidence outlined above, the variant was classified as uncertain significance.

Myriad Genetics, Inc.
Classification: Uncertain significance for Peutz-Jeghers syndrome. Last evaluated: 2023-04-14. Review status: criteria provided, single submitter. Criteria: Myriad Autosomal Dominant, Autosomal Recessive and X-Linked Classification Criteria (2023). Collection method: clinical testing. Allele origin: unknown.
Comment: This variant is classified as a variant of uncertain significance as there is insufficient evidence to determine its impact on protein function and/or cancer risk.

Quest Diagnostics Nichols Institute San Juan Capistrano
Classification: Uncertain significance. Last evaluated: 2023-01-05. Review status: criteria provided, single submitter. Criteria: Quest Diagnostics criteria. Collection method: clinical testing. Allele origin: unknown.
Comment: The frequency of this variant in the general population, 0.00026 (6/23256 chromosomes in African/African American subpopulation), is higher than would generally be expected for pathogenic variants in this gene. In the published literature, the variant was identified in a cohort of children affected with various solid tumors (PMID: 30455982 (2018)). Analysis of this variant using bioinformatics tools for the prediction of the effect of amino acid changes on protein structure and function yielded predictions that this variant is benign. Based on the available information, we are unable to determine the clinical significance of this variant.

CHEO Genetics Diagnostic Laboratory, Children's Hospital of Eastern Ontario
Classification: Uncertain significance for Breast and/or ovarian cancer. Last evaluated: 2022-09-01. Review status: criteria provided, single submitter. Criteria: ACMG Guidelines, 2015. Collection method: clinical testing. Allele origin: germline.

Ambry Genetics
Classification: Likely benign for Hereditary cancer-predisposing syndrome. Last evaluated: 2022-01-12. Review status: criteria provided, single submitter. Criteria: Ambry Variant Classification Scheme 2023. Collection method: clinical testing. Allele origin: germline.

Sema4
Classification: Uncertain significance for Hereditary cancer-predisposing syndrome. Last evaluated: 2021-12-17. Review status: criteria provided, single submitter. Criteria: Sema4 Curation Guidelines. Collection method: curation. Allele origin: germline.
Comment: To the best of our knowledge, the STK11 c.1127A>C (p.Glu376Ala) variant has not been reported in individuals with STK11-related disease. It was observed in 6/23256 chromosomes of the African/African American (AFR) subpopulation in the large and broad cohorts of the Genome Aggregation Database (PMID: 32461654). This variant has been reported in ClinVar (Variation ID 127698). Functional studies have not been performed, and in silico predictions of the variant's effect on protein function are inconclusive. There is no indication that this variant causes disease, but the evidence is insufficient currently to prove that conclusively. Thus, the clinical significance of this variant is currently uncertain.

Color Diagnostics, LLC DBA Color Health
Classification: Likely benign for Hereditary cancer-predisposing syndrome. Last evaluated: 2021-10-05. Review status: criteria provided, single submitter. Criteria: ACMG Guidelines, 2015. Collection method: clinical testing. Allele origin: germline.

Genome-Nilou Lab
Classification: Uncertain significance for Peutz-Jeghers syndrome. Last evaluated: 2021-07-15. Review status: criteria provided, single submitter. Criteria: ACMG Guidelines, 2015. Collection method: clinical testing. Allele origin: germline. Affected: no.

GeneDx
Classification: Uncertain significance. Last evaluated: 2021-05-25. Review status: criteria provided, single submitter. Criteria: GeneDx Variant Classification Process June 2021. Collection method: clinical testing. Allele origin: germline. Affected: yes.
Comment: In silico analysis supports that this missense variant does not alter protein structure/function; Observed in a pediatric patient diagnosed with an unspecified cancer (Chan 2018); This variant is associated with the following publications: (PMID: 30455982)

Institute for Biomarker Research, Medical Diagnostic Laboratories, L.L.C.
Classification: Uncertain significance for Hereditary cancer-predisposing syndrome. Last evaluated: 2021-11-23. Review status: no assertion criteria provided. Collection method: clinical testing. Allele origin: germline. Not counted in ClinVar's aggregate classification.

Counsyl
Classification: Uncertain significance for Peutz-Jeghers syndrome. Last evaluated: 2017-10-17. Review status: no assertion criteria provided. Collection method: clinical testing. Allele origin: unknown. Not counted in ClinVar's aggregate classification.

Literature cited by the submitters: PubMed 30455982 (cited by 3 submitters).

NM_000455.5(STK11):c.1127A>C (p.Glu376Ala)

Gene: STK11 (serine/threonine kinase 11; plus strand). Cytogenetic location: 19p13.3.
Variant type: single nucleotide variant.
Coding change: c.1127A>C on transcript NM_000455.5 (MANE Select); coding-DNA position 1127, A replaced by C.
Protein change: p.Glu376Ala; replaces glutamic acid 376 with alanine.
Molecular consequence: missense variant.
Genome position (GRCh38, 1-based): chr19:1,226,472, A>C. VCF-style: chr19-1226472-A-C. GRCh37 (hg19) VCF-style: chr19-1226471-A-C.
Other names: p.E376A:GAG>GCG; short protein forms E376A.
Identifiers: ClinVar variation 127698 (VCV000127698.48), dbSNP rs373888280, ClinGen allele CA022329.